The following is an entry in ClinVar:

NM_000465.4(BARD1):c.1734T>A (p.Ser578=)

Gene: BARD1 (BRCA1 associated RING domain 1; minus strand). Cytogenetic location: 2q35.
Variant type: single nucleotide variant.
Coding change: c.1734T>A on transcript NM_000465.4 (MANE Select); coding-DNA position 1734, T replaced by A.
Protein change: p.Ser578=; no amino-acid change (serine 578 retained).
Molecular consequence: synonymous variant. On other transcripts: non-coding transcript variant (3), intron variant (1).
Genome position (GRCh38, 1-based): chr2:214,745,798, A>T on the plus strand (T>A on the coding strand, the complement: BARD1 is on the minus strand). VCF-style: chr2-214745798-A-T. GRCh37 (hg19) VCF-style: chr2-215610522-A-T.
Other names: c.1677T>A, p.Ser559= (NM_001282543.2); c.381T>A, p.Ser127= (NM_001282545.2); c.324T>A, p.Ser108= (NM_001282548.2); c.365-15290T>A (NM_001282549.2).
Identifiers: ClinVar variation 231914 (VCV000231914.25), dbSNP rs373449212, ClinGen allele CA2090178.

ClinVar aggregate classification (germline): Benign/Likely benign. Review status: criteria provided, multiple submitters, no conflicts (2 of 4 stars). 9 submissions from 9 submitters: Benign (1); Likely benign (7). 1 of the submissions does not count toward it. Last evaluated 2026-01-11.

Conditions:
BARD1-related disorder. Also called: BARD1-related condition.
Hereditary cancer-predisposing syndrome. Also called: Neoplastic Syndromes, Hereditary; Tumor predisposition; Hereditary Cancer Syndrome; Hereditary neoplastic syndrome. Identifiers: Orphanet 140162, MedGen C0027672, MeSH D009386, MONDO:0015356.
Familial cancer of breast. Also called: BREAST CANCER, FAMILIAL; hereditary breast carcinoma; Hereditary breast cancer. Identifiers: Orphanet 227535, MedGen C0346153, MONDO:0016419, OMIM 114480. Disease mechanism: loss of function.

Allele frequency attached by ClinVar (database versions not stated): gnomAD exomes 0.00001 and 0.00003; TOPMed 0.00004; ExAC 0.00005; gnomAD 0.00005 and 0.00006; ESP Exome Variant Server 0.00008; 1000 Genomes Project 0.00020; 1000 Genomes Project 30x 0.00031.
gnomAD v4.1: 19 of 1,614,056 alleles (0.0012%); highest among the groups gnomAD compares: African/African-American, 0.023%; no homozygotes.

Submissions (9):

Labcorp Genetics (formerly Invitae), Labcorp
Classification: Likely benign for Familial cancer of breast. Last evaluated: 2026-01-11. Review status: criteria provided, single submitter. Criteria: Invitae Variant Classification Sherloc (09022015). Collection method: clinical testing. Allele origin: germline.

Quest Diagnostics Nichols Institute San Juan Capistrano
Classification: Likely benign. Last evaluated: 2025-07-12. Review status: criteria provided, single submitter. Criteria: Quest Diagnostics criteria. Collection method: clinical testing. Allele origin: unknown.

Women's Health and Genetics/Laboratory Corporation of America, LabCorp
Classification: Likely benign. Last evaluated: 2024-11-16. Review status: criteria provided, single submitter. Criteria: LabCorp Variant Classification Summary - May 2015. Collection method: clinical testing. Allele origin: germline.

Myriad Genetics, Inc.
Classification: Benign for Familial cancer of breast. Last evaluated: 2024-07-26. Review status: criteria provided, single submitter. Criteria: Myriad Autosomal Dominant, Autosomal Recessive and X-Linked Classification Criteria (2023). Collection method: clinical testing. Allele origin: unknown.
Comment: This variant is considered benign. This variant is a silent/synonymous amino acid change and it is not expected to impact splicing.

GeneDx
Classification: Likely benign. Last evaluated: 2021-05-24. Review status: criteria provided, single submitter. Criteria: GeneDx Variant Classification Process June 2021. Collection method: clinical testing. Allele origin: germline. Affected: yes.

Sema4
Classification: Likely benign for Hereditary cancer-predisposing syndrome. Last evaluated: 2020-10-20. Review status: criteria provided, single submitter. Criteria: Sema4 Curation Guidelines. Collection method: curation. Allele origin: germline.

Color Diagnostics, LLC DBA Color Health
Classification: Likely benign for Hereditary cancer-predisposing syndrome. Last evaluated: 2018-04-23. Review status: criteria provided, single submitter. Criteria: ACMG Guidelines, 2015. Collection method: clinical testing. Allele origin: germline.

Ambry Genetics
Classification: Likely benign for Hereditary cancer-predisposing syndrome. Last evaluated: 2015-05-14. Review status: criteria provided, single submitter. Criteria: Ambry Variant Classification Scheme 2023. Collection method: clinical testing. Allele origin: germline.

PreventionGenetics, part of Exact Sciences
Classification: Likely benign for BARD1-related condition. Last evaluated: 2024-02-06. Review status: no assertion criteria provided. Collection method: clinical testing. Allele origin: germline. Not counted in ClinVar's aggregate classification.
Comment: This variant is classified as likely benign based on ACMG/AMP sequence variant interpretation guidelines (Richards et al. 2015 PMID: 25741868, with internal and published modifications).